The following is an entry in ClinVar:

NC_000001.10:g.(?_63885021)_(63885131_?)del

Gene: ALG6 (ALG6 alpha-1,3-glucosyltransferase; plus strand). Cytogenetic location: 1p31.3.
Variant type: Deletion.
Identifiers: ClinVar variation 1458787 (VCV001458787.7).

ClinVar aggregate classification (germline): Pathogenic (1 of 4 stars; one submission).

Conditions:
ALG6-congenital disorder of glycosylation 1C (CDG1C). Also called: Congenital disorder of glycosylation, type Ic; CDG Ic; CARBOHYDRATE-DEFICIENT GLYCOPROTEIN SYNDROME, TYPE I, WITH DEFICIENT GLYCOSYLATION OF DOLICHOL-LINKED OLIGOSACCHARIDE; CARBOHYDRATE-DEFICIENT GLYCOPROTEIN SYNDROME, TYPE V; Congenital disorder of glycosylation type 1C. Identifiers: Orphanet 79320, MedGen C2930997, MONDO:0011291, OMIM 603147.

Submission:

Labcorp Genetics (formerly Invitae), Labcorp
Classification: Pathogenic for ALG6-congenital disorder of glycosylation 1C. Last evaluated: 2023-07-13. Review status: criteria provided, single submitter. Criteria: Invitae Variant Classification Sherloc (09022015). Collection method: clinical testing. Allele origin: germline.
Comment: This variant is a gross deletion of the genomic region encompassing exon(s) 12 of the ALG6 gene. This deletion is out-of-frame, and is expected to create a premature termination codon and result in an absent or disrupted protein product. Loss-of-function variants in ALG6 are known to be pathogenic (PMID: 19862844). This variant has not been reported in the literature in individuals affected with ALG6-related conditions. For these reasons, this variant has been classified as Pathogenic.

Literature cited by the submitters: PubMed 19862844.